The following is an entry in ClinVar:

NM_001080477.4(TENM3):c.6528C>A (p.Asp2176Glu)

Gene: TENM3 (teneurin transmembrane protein 3; plus strand). Cytogenetic location: 4q35.1.
Variant type: single nucleotide variant.
Coding change: c.6528C>A on transcript NM_001080477.4 (MANE Select); coding-DNA position 6528, C replaced by A.
Protein change: p.Asp2176Glu; replaces aspartic acid 2176 with glutamic acid.
Molecular consequence: missense variant.
Genome position (GRCh38, 1-based): chr4:182,793,200, C>A. VCF-style: chr4-182793200-C-A. GRCh37 (hg19) VCF-style: chr4-183714353-C-A.
Other names: c.5760C>A, p.Asp1920Glu (NM_001415960.1); c.5733C>A, p.Asp1911Glu (NM_001415961.1); c.5730C>A, p.Asp1910Glu (NM_001415962.1); c.5712C>A, p.Asp1904Glu (NM_001415963.1); c.5709C>A, p.Asp1903Glu (NM_001415964.1); c.6246C>A, p.Asp2082Glu (NM_001415966.1); c.6270C>A, p.Asp2090Glu (NM_001415967.1); c.6546C>A, p.Asp2182Glu (NM_001415968.1); and 4 more; short protein forms D1910E, D2082E, D1904E, D2083E, D1903E, D1920E, D1911E, D2090E.
Identifiers: ClinVar variation 2098322 (VCV002098322.4), dbSNP rs2532494190, ClinGen allele CA358838224.

ClinVar aggregate classification (germline): Uncertain significance (1 of 4 stars; one submission).

Allele frequency attached by ClinVar (database versions not stated): gnomAD exomes below 0.00001.
gnomAD v4.1: 1 of 1,613,942 alleles (0.000062%); highest among the groups gnomAD compares: Non-Finnish European, 0.000085%; no homozygotes.

Submission:

Labcorp Genetics (formerly Invitae), Labcorp
Classification: Uncertain significance. Last evaluated: 2025-02-24. Review status: criteria provided, single submitter. Criteria: Invitae Variant Classification Sherloc (09022015). Collection method: clinical testing. Allele origin: germline.
Comment: This sequence change replaces aspartic acid, which is acidic and polar, with glutamic acid, which is acidic and polar, at codon 2176 of the TENM3 protein (p.Asp2176Glu). This variant is not present in population databases (gnomAD no frequency). This variant has not been reported in the literature in individuals affected with TENM3-related conditions. ClinVar contains an entry for this variant (Variation ID: 2098322). Invitae Evidence Modeling of protein sequence and biophysical properties (such as structural, functional, and spatial information, amino acid conservation, physicochemical variation, residue mobility, and thermodynamic stability) indicates that this missense variant is expected to disrupt TENM3 protein function with a positive predictive value of 80%. In summary, the available evidence is currently insufficient to determine the role of this variant in disease. Therefore, it has been classified as a Variant of Uncertain Significance.